The following is an entry in ClinVar:

ClinVar aggregate classification (germline): Likely benign (1 of 4 stars; one submission).

Submission:

CeGaT Center for Human Genetics Tuebingen
Classification: Likely benign. Last evaluated: 2026-09-01. Review status: criteria provided, single submitter. Criteria: CeGaT Center For Human Genetics Tuebingen Variant Classification Criteria Version 2. Collection method: clinical testing. Allele origin: germline. Affected: yes. Observed: 1 variant allele.
Comment: VPS51: PM2:Supporting, BP4, BP7

NM_013265.4(VPS51):c.1185C>T (p.Ala395=)

Gene: VPS51 (VPS51 subunit of GARP complex; plus strand). Cytogenetic location: 11q13.1.
Variant type: single nucleotide variant.
Coding change: c.1185C>T on transcript NM_013265.4 (MANE Select); coding-DNA position 1185, C replaced by T.
Protein change: p.Ala395=; no amino-acid change (alanine 395 retained).
Molecular consequence: synonymous variant. On other transcripts: non-coding transcript variant (1).
Genome position (GRCh38, 1-based): chr11:65,108,656, C>T. VCF-style: chr11-65108656-C-T. GRCh37 (hg19) VCF-style: chr11-64876128-C-T.
Identifiers: ClinVar variation 5041588 (VCV005041588.1).